The following is an entry in ClinVar:

ClinVar aggregate classification (germline): Uncertain significance (1 of 4 stars; one submission).

Conditions:
Infantile cerebral and cerebellar atrophy with postnatal progressive microcephaly (MSBA). Identifiers: Orphanet 402364, MedGen C3150921, MONDO:0013351, OMIM 613668.

Allele frequency attached by ClinVar (database versions not stated): 1000 Genomes Project 30x 0.00016.
gnomAD v4.1: 3 of 1,614,078 alleles (0.00019%); highest among the groups gnomAD compares: Admixed American, 0.005%; no homozygotes.

Submission:

Breda Genetics srl
Classification: Uncertain significance for Infantile cerebral and cerebellar atrophy with postnatal progressive microcephaly. Last evaluated: 2021-11-09. Review status: criteria provided, single submitter. Criteria: ACMG Guidelines, 2015. Collection method: clinical testing. Allele origin: germline. Inheritance: Autosomal recessive inheritance. Affected: yes. Observed: 1 variant allele, 1 heterozygote.
Comment: Based on allele frequency, in-silico prediction scores and a certain overlap with the clinical phenotype, we interpreted this variant at least as of uncertain significance. The lack of one or more of the following features has discouraged further investigations: lack of a possible second hit in autosomal recessive conditions, presence of healthy controls in databases for autosomal dominant conditions, presence of unmatching cardinal clinical features in the patient or in the known gene-disease association, and/or variant type outside the known gene mutational spectrum.

NM_004268.5(MED17):c.890C>G (p.Ala297Gly)

Gene: MED17 (mediator complex subunit 17; plus strand). Cytogenetic location: 11q21.
Variant type: single nucleotide variant.
Coding change: c.890C>G on transcript NM_004268.5 (MANE Select); coding-DNA position 890, C replaced by G.
Protein change: p.Ala297Gly; replaces alanine 297 with glycine.
Molecular consequence: missense variant.
Genome position (GRCh38, 1-based): chr11:93,794,938, C>G. VCF-style: chr11-93794938-C-G. GRCh37 (hg19) VCF-style: chr11-93528104-C-G.
Other names: short protein forms A297G.
Identifiers: ClinVar variation 1711868 (VCV001711868.1), dbSNP rs143018025, ClinGen allele CA6232462.
Genomic context (GRCh38, chr11:93,794,938, plus strand): 5'-TAATTGATACATATATTTCTTGTCTTTCAGGTTCCCCACATTGGCAGACAAAATTAGAAG[C>G]GGCACAGAATGTTCTCTTATGTAAAGAAATTTTTGCACAGCTCTCTCGGGAAGCTGTTCA-3'
Protein context (NP_004259.3, residues 287-307): GSPHWQTKLE[Ala297Gly]AQNVLLCKEI